The following is an entry in ClinVar:

ClinVar aggregate classification (germline): Uncertain significance (1 of 4 stars; one submission).

Submission:

Ambry Genetics
Classification: Uncertain significance. Last evaluated: 2026-07-13. Review status: criteria provided, single submitter. Criteria: Ambry Variant Classification Scheme 2023. Collection method: clinical testing. Allele origin: germline.
Comment: The p.K53N variant (also known as c.159A>C), located in coding exon 2 of the CTNNA3 gene, results from an A to C substitution at nucleotide position 159. The lysine at codon 53 is replaced by asparagine, an amino acid with similar properties. This amino acid position is conserved. In addition, this alteration is predicted to be tolerated by in silico analysis. Based on the available evidence, the clinical significance of this variant remains unclear.

NM_013266.4(CTNNA3):c.159A>C (p.Lys53Asn)

Gene: CTNNA3 (catenin alpha 3; minus strand). Cytogenetic location: 10q21.3.
Variant type: single nucleotide variant.
Coding change: c.159A>C on transcript NM_013266.4 (MANE Select); coding-DNA position 159, A replaced by C.
Protein change: p.Lys53Asn; replaces lysine 53 with asparagine.
Molecular consequence: missense variant.
Genome position (GRCh38, 1-based): chr10:67,606,990, T>G on the plus strand (A>C on the coding strand, the complement: CTNNA3 is on the minus strand). VCF-style: chr10-67606990-T-G. GRCh37 (hg19) VCF-style: chr10-69366748-T-G.
Other names: c.159A>C, p.Lys53Asn (NM_001127384.3); c.195A>C, p.Lys65Asn (NM_001291133.2); short protein forms K65N, K53N.
Identifiers: ClinVar variation 5035025 (VCV005035025.1).